The following is an entry in ClinVar:

ClinVar aggregate classification (germline): Uncertain significance (1 of 4 stars; one submission).

Conditions:
Primary ciliary dyskinesia. Also called: Ciliary dyskinesia. Identifiers: Orphanet 244, MedGen C0008780, MONDO:0016575, HP:0012265.

Allele frequency attached by ClinVar (database versions not stated): gnomAD exomes below 0.00001.
gnomAD v4.1: 1 of 1,613,742 alleles (0.000062%); highest among the groups gnomAD compares: Non-Finnish European, 0.000085%; no homozygotes.

Submission:

Labcorp Genetics (formerly Invitae), Labcorp
Classification: Uncertain significance for Primary ciliary dyskinesia. Last evaluated: 2025-06-02. Review status: criteria provided, single submitter. Criteria: Invitae Variant Classification Sherloc (09022015). Collection method: clinical testing. Allele origin: germline.
Comment: This sequence change replaces isoleucine, which is neutral and non-polar, with valine, which is neutral and non-polar, at codon 3689 of the DNAH11 protein (p.Ile3689Val). This variant is not present in population databases (gnomAD no frequency). This variant has not been reported in the literature in individuals affected with DNAH11-related conditions. ClinVar contains an entry for this variant (Variation ID: 454638). Invitae Evidence Modeling of protein sequence and biophysical properties (such as structural, functional, and spatial information, amino acid conservation, physicochemical variation, residue mobility, and thermodynamic stability) indicates that this missense variant is not expected to disrupt DNAH11 protein function with a negative predictive value of 95%. In summary, the available evidence is currently insufficient to determine the role of this variant in disease. Therefore, it has been classified as a Variant of Uncertain Significance.

NM_001277115.2(DNAH11):c.11065A>G (p.Ile3689Val)

Gene: DNAH11 (dynein axonemal heavy chain 11; plus strand). Cytogenetic location: 7p15.3.
Variant type: single nucleotide variant.
Coding change: c.11065A>G on transcript NM_001277115.2 (MANE Select); coding-DNA position 11065, A replaced by G.
Protein change: p.Ile3689Val; replaces isoleucine 3689 with valine.
Molecular consequence: missense variant.
Genome position (GRCh38, 1-based): chr7:21,854,318, A>G. VCF-style: chr7-21854318-A-G. GRCh37 (hg19) VCF-style: chr7-21893936-A-G.
Other names: short protein forms I3689V.
Identifiers: ClinVar variation 454638 (VCV000454638.8), dbSNP rs1554288889, ClinGen allele CA366959704.